The following is an entry in ClinVar:

ClinVar aggregate classification (germline): Uncertain significance. Review status: criteria provided, multiple submitters, no conflicts (2 of 4 stars). 2 submissions from 2 submitters: Uncertain significance (2). Last evaluated 2026-01-18.

Conditions:
Microcephaly, epilepsy, and diabetes syndrome. Identifiers: Orphanet 306558, MedGen C3280240, MONDO:0100328.
Inborn genetic diseases. Identifiers: MedGen C0950123, MeSH D030342.

Allele frequency attached by ClinVar (database versions not stated): gnomAD 0.00003; TOPMed 0.00003; gnomAD exomes 0.00006; ESP Exome Variant Server 0.00008.
gnomAD v4.1: 84 of 1,569,740 alleles (0.0054%); highest among the groups gnomAD compares: Non-Finnish European, 0.0074%; no homozygotes.

Submissions (2):

Labcorp Genetics (formerly Invitae), Labcorp
Classification: Uncertain significance for Microcephaly, epilepsy, and diabetes syndrome. Last evaluated: 2026-01-18. Review status: criteria provided, single submitter. Criteria: Invitae Variant Classification Sherloc (09022015). Collection method: clinical testing. Allele origin: germline.
Comment: This sequence change replaces alanine, which is neutral and non-polar, with glycine, which is neutral and non-polar, at codon 74 of the IER3IP1 protein (p.Ala74Gly). This variant is present in population databases (rs374082811, gnomAD 0.008%). This variant has not been reported in the literature in individuals affected with IER3IP1-related conditions. ClinVar contains an entry for this variant (Variation ID: 956801). An algorithm developed to predict the effect of missense changes on protein structure and function (PolyPhen-2) suggests that this variant is likely to be tolerated. In summary, the available evidence is currently insufficient to determine the role of this variant in disease. Therefore, it has been classified as a Variant of Uncertain Significance.

Ambry Genetics
Classification: Uncertain significance for Inborn genetic diseases. Last evaluated: 2025-08-24. Review status: criteria provided, single submitter. Criteria: Ambry Variant Classification Scheme 2023. Collection method: clinical testing. Allele origin: germline.

NM_016097.5(IER3IP1):c.221C>G (p.Ala74Gly)

Gene: IER3IP1 (immediate early response 3 interacting protein 1; minus strand). Cytogenetic location: 18q21.1.
Variant type: single nucleotide variant.
Coding change: c.221C>G on transcript NM_016097.5 (MANE Select); coding-DNA position 221, C replaced by G.
Protein change: p.Ala74Gly; replaces alanine 74 with glycine.
Molecular consequence: missense variant.
Genome position (GRCh38, 1-based): chr18:47,156,205, G>C on the plus strand (C>G on the coding strand, the complement: IER3IP1 is on the minus strand). VCF-style: chr18-47156205-G-C. GRCh37 (hg19) VCF-style: chr18-44682576-G-C.
Other names: c.221C>G (NM_016097.3); short protein forms A74G.
Identifiers: ClinVar variation 956801 (VCV000956801.9), dbSNP rs374082811, ClinGen allele CA8955686.